The following is an entry in ClinVar:

NM_001261826.3(AP3D1):c.3355G>A (p.Ala1119Thr)

Gene: AP3D1 (adaptor related protein complex 3 subunit delta 1; minus strand). Cytogenetic location: 19p13.3.
Variant type: single nucleotide variant.
Coding change: c.3355G>A on transcript NM_001261826.3 (MANE Select); coding-DNA position 3355, G replaced by A.
Protein change: p.Ala1119Thr; replaces alanine 1119 with threonine.
Molecular consequence: missense variant.
Genome position (GRCh38, 1-based): chr19:2,109,203, C>T on the plus strand (G>A on the coding strand, the complement: AP3D1 is on the minus strand). VCF-style: chr19-2109203-C-T. GRCh37 (hg19) VCF-style: chr19-2109202-C-T.
Other names: c.3319G>A, p.Ala1107Thr (NM_001374799.1); c.3169G>A, p.Ala1057Thr (NM_003938.8); short protein forms A1107T, A1119T, A1057T.
Identifiers: ClinVar variation 1928089 (VCV001928089.5), dbSNP rs764711501, ClinGen allele CA9058409.

ClinVar aggregate classification (germline): Uncertain significance (1 of 4 stars; one submission).

Allele frequency attached by ClinVar (database versions not stated): gnomAD 0.00001; TOPMed 0.00002.
gnomAD v4.1: 20 of 1,597,140 alleles (0.0013%); highest among the groups gnomAD compares: Admixed American, 0.0018%; no homozygotes.

Submission:

Labcorp Genetics (formerly Invitae), Labcorp
Classification: Uncertain significance. Last evaluated: 2024-10-17. Review status: criteria provided, single submitter. Criteria: Invitae Variant Classification Sherloc (09022015). Collection method: clinical testing. Allele origin: germline.
Comment: This sequence change replaces alanine, which is neutral and non-polar, with threonine, which is neutral and polar, at codon 1119 of the AP3D1 protein (p.Ala1119Thr). This variant is present in population databases (rs764711501, gnomAD 0.006%). This variant has not been reported in the literature in individuals affected with AP3D1-related conditions. ClinVar contains an entry for this variant (Variation ID: 1928089). An algorithm developed to predict the effect of missense changes on protein structure and function (PolyPhen-2) suggests that this variant is likely to be tolerated. In summary, the available evidence is currently insufficient to determine the role of this variant in disease. Therefore, it has been classified as a Variant of Uncertain Significance.